The following is an entry in ClinVar:

NM_152703.5(SAMD9L):c.1807G>A (p.Glu603Lys)

Gene: SAMD9L (sterile alpha motif domain containing 9 like; minus strand). Cytogenetic location: 7q21.2.
Variant type: single nucleotide variant.
Coding change: c.1807G>A on transcript NM_152703.5 (MANE Select); coding-DNA position 1807, G replaced by A.
Protein change: p.Glu603Lys; replaces glutamic acid 603 with lysine.
Molecular consequence: missense variant.
Genome position (GRCh38, 1-based): chr7:93,134,165, C>T on the plus strand (G>A on the coding strand, the complement: SAMD9L is on the minus strand). VCF-style: chr7-93134165-C-T. GRCh37 (hg19) VCF-style: chr7-92763478-C-T.
Other names: c.1807G>A, p.Glu603Lys (NM_001303496.3, NM_001303497.3, NM_001303498.3 and 5 more transcripts); short protein forms E603K.
Identifiers: ClinVar variation 4159305 (VCV004159305.1).

ClinVar aggregate classification (germline): Uncertain significance (1 of 4 stars; one submission).

Conditions:
Inborn genetic diseases. Identifiers: MedGen C0950123, MeSH D030342.

Submission:

Ambry Genetics
Classification: Uncertain significance for Inborn genetic diseases. Last evaluated: 2025-07-07. Review status: criteria provided, single submitter. Criteria: Ambry Variant Classification Scheme 2023. Collection method: clinical testing. Allele origin: germline.
Comment: The p.E603K variant (also known as c.1807G>A), located in coding exon 1 of the SAMD9L gene, results from a G to A substitution at nucleotide position 1807. The glutamic acid at codon 603 is replaced by lysine, an amino acid with similar properties. This amino acid position is conserved. In addition, this alteration is predicted to be tolerated by in silico analysis. Based on the available evidence, the clinical significance of this variant remains unclear.